The following is an entry in ClinVar:

ClinVar aggregate classification (germline): Pathogenic (1 of 4 stars; one submission).

gnomAD v4.1: 1 of 1,614,154 alleles (0.000062%); highest among the groups gnomAD compares: Non-Finnish European, 0.000085%; no homozygotes.

Submission:

Labcorp Genetics (formerly Invitae), Labcorp
Classification: Pathogenic. Last evaluated: 2022-06-02. Review status: criteria provided, single submitter. Criteria: Invitae Variant Classification Sherloc (09022015). Collection method: clinical testing. Allele origin: germline.
Comment: This sequence change creates a premature translational stop signal (p.Trp220*) in the CYP17A1 gene. It is expected to result in an absent or disrupted protein product. Loss-of-function variants in CYP17A1 are known to be pathogenic (PMID: 17192295, 20197673, 24140098). This variant is not present in population databases (gnomAD no frequency). This variant has not been reported in the literature in individuals affected with CYP17A1-related conditions. For these reasons, this variant has been classified as Pathogenic.

Literature cited by the submitters: PubMed 17192295; PubMed 20197673; PubMed 24140098.

NM_000102.4(CYP17A1):c.659G>A (p.Trp220Ter)

Gene: CYP17A1 (cytochrome P450 family 17 subfamily A member 1; minus strand). Cytogenetic location: 10q24.32.
Variant type: single nucleotide variant.
Coding change: c.659G>A on transcript NM_000102.4 (MANE Select); coding-DNA position 659, G replaced by A.
Protein change: p.Trp220Ter; replaces tryptophan 220 with a stop codon.
Molecular consequence: nonsense.
Genome position (GRCh38, 1-based): chr10:102,834,792, C>T on the plus strand (G>A on the coding strand, the complement: CYP17A1 is on the minus strand). VCF-style: chr10-102834792-C-T. GRCh37 (hg19) VCF-style: chr10-104594549-C-T.
Other names: short protein forms W220*.
Identifiers: ClinVar variation 2002001 (VCV002002001.4), dbSNP rs2493241771, ClinGen allele CA377939741.